The following is an entry in ClinVar:

NM_001077525.3(MTMR14):c.1094A>G (p.Tyr365Cys)

Gene: MTMR14 (myotubularin related protein 14; plus strand). Cytogenetic location: 3p25.3.
Variant type: single nucleotide variant.
Coding change: c.1094A>G on transcript NM_001077525.3 (MANE Select); coding-DNA position 1094, A replaced by G.
Protein change: p.Tyr365Cys; replaces tyrosine 365 with cysteine.
Molecular consequence: missense variant.
Genome position (GRCh38, 1-based): chr3:9,684,931, A>G. VCF-style: chr3-9684931-A-G. GRCh37 (hg19) VCF-style: chr3-9726615-A-G.
Other names: c.1094A>G, p.Tyr365Cys (NM_001077526.3, NM_022485.5); short protein forms Y365C.
Identifiers: ClinVar variation 1445958 (VCV001445958.6), dbSNP rs550970092, ClinGen allele CA2240603.

ClinVar aggregate classification (germline): Uncertain significance (1 of 4 stars; one submission).

Allele frequency attached by ClinVar (database versions not stated): gnomAD exomes below 0.00001 and 0.00001; ExAC 0.00002; TOPMed 0.00003; gnomAD 0.00006 and 0.00007; 1000 Genomes Project 0.00020.
gnomAD v4.1: 12 of 1,614,014 alleles (0.00074%); highest among the groups gnomAD compares: African/African-American, 0.012%; no homozygotes.

Submission:

Labcorp Genetics (formerly Invitae), Labcorp
Classification: Uncertain significance. Last evaluated: 2022-04-03. Review status: criteria provided, single submitter. Criteria: Invitae Variant Classification Sherloc (09022015). Collection method: clinical testing. Allele origin: germline.
Comment: This sequence change replaces tyrosine, which is neutral and polar, with cysteine, which is neutral and slightly polar, at codon 365 of the MTMR14 protein (p.Tyr365Cys). This variant is present in population databases (rs550970092, gnomAD 0.02%). This variant has not been reported in the literature in individuals affected with MTMR14-related conditions. Algorithms developed to predict the effect of missense changes on protein structure and function (SIFT, PolyPhen-2, Align-GVGD) all suggest that this variant is likely to be disruptive. In summary, the available evidence is currently insufficient to determine the role of this variant in disease. Therefore, it has been classified as a Variant of Uncertain Significance.